The following is an entry in ClinVar:

NM_001352514.2(HLCS):c.1808A>G (p.Tyr603Cys)

Gene: HLCS (holocarboxylase synthetase; minus strand). Cytogenetic location: 21q22.13.
Variant type: single nucleotide variant.
Coding change: c.1808A>G on transcript NM_001352514.2 (MANE Select); coding-DNA position 1808, A replaced by G.
Protein change: p.Tyr603Cys; replaces tyrosine 603 with cysteine.
Molecular consequence: missense variant. On other transcripts: non-coding transcript variant (2).
Genome position (GRCh38, 1-based): chr21:36,896,944, T>C on the plus strand (A>G on the coding strand, the complement: HLCS is on the minus strand). VCF-style: chr21-36896944-T-C. GRCh37 (hg19) VCF-style: chr21-38269244-T-C.
Other names: c.1367A>G, p.Tyr456Cys (NM_000411.8, NM_001242784.3, NM_001242785.2 and 4 more transcripts); short protein forms Y456C, Y603C.
Identifiers: ClinVar variation 554029 (VCV000554029.11), dbSNP rs781603756, ClinGen allele CA10020466.

ClinVar aggregate classification (germline): Likely pathogenic. Review status: criteria provided, multiple submitters, no conflicts (2 of 4 stars). 4 submissions from 4 submitters: Likely pathogenic (3). 1 of the submissions does not count toward it. Last evaluated 2024-06-01.

Conditions:
Holocarboxylase synthetase deficiency. Also called: MULTIPLE CARBOXYLASE DEFICIENCY, EARLY ONSET. Identifiers: Orphanet 79242, MedGen C0268581, MONDO:0009666, OMIM 253270.

Allele frequency attached by ClinVar (database versions not stated): TOPMed below 0.00001; gnomAD exomes 0.00001 and 0.00002; gnomAD 0.00002; ExAC 0.00004.
gnomAD v4.1: 17 of 1,614,070 alleles (0.0011%); highest among the groups gnomAD compares: Admixed American, 0.0017%; no homozygotes.

Submissions (4):

Fulgent Genetics
Classification: Likely pathogenic for Holocarboxylase synthetase deficiency. Last evaluated: 2024-06-01. Review status: criteria provided, single submitter. Criteria: ACMG Guidelines, 2015. Collection method: clinical testing. Allele origin: germline.

Laboratory of Medical Genetics, National & Kapodistrian University of Athens
Classification: Likely pathogenic for Holocarboxylase synthetase deficiency. Last evaluated: 2024-02-01. Review status: criteria provided, single submitter. Criteria: ACMG Guidelines, 2015. Collection method: curation. Allele origin: germline. Affected: no.

Labcorp Genetics (formerly Invitae), Labcorp
Classification: Likely pathogenic for Holocarboxylase synthetase deficiency. Last evaluated: 2022-12-06. Review status: criteria provided, single submitter. Criteria: Invitae Variant Classification Sherloc (09022015). Collection method: clinical testing. Allele origin: germline.
Comment: This sequence change replaces tyrosine, which is neutral and polar, with cysteine, which is neutral and slightly polar, at codon 456 of the HLCS protein (p.Tyr456Cys). This variant is present in population databases (rs781603756, gnomAD 0.02%). This missense change has been observed in individual(s) with holocarboxylase synthetase deficiency (PMID: 11735028, 17274881). In at least one individual the data is consistent with being in trans (on the opposite chromosome) from a pathogenic variant. ClinVar contains an entry for this variant (Variation ID: 554029). Advanced modeling of protein sequence and biophysical properties (such as structural, functional, and spatial information, amino acid conservation, physicochemical variation, residue mobility, and thermodynamic stability) performed at Invitae indicates that this missense variant is expected to disrupt HLCS protein function. Experimental studies have shown that this missense change affects HLCS function (PMID: 11735028). In summary, the currently available evidence indicates that the variant is pathogenic, but additional data are needed to prove that conclusively. Therefore, this variant has been classified as Likely Pathogenic.

Counsyl
Classification: Uncertain significance for Holocarboxylase synthetase deficiency. Last evaluated: 2017-09-24. Review status: no assertion criteria provided. Collection method: clinical testing. Allele origin: unknown. Not counted in ClinVar's aggregate classification.

Literature cited by the submitters: PubMed 11735028 (cited by Labcorp Genetics (formerly Invitae), Labcorp and Counsyl); PubMed 17274881 (cited by Labcorp Genetics (formerly Invitae), Labcorp); PubMed 18442489 (cited by Counsyl).